The following is an entry in ClinVar:

NM_176787.5(PIGN):c.2693T>C (p.Val898Ala)

Gene: PIGN (phosphatidylinositol glycan anchor biosynthesis class N; minus strand). Cytogenetic location: 18q21.33.
Variant type: single nucleotide variant.
Coding change: c.2693T>C on transcript NM_176787.5 (MANE Select); coding-DNA position 2693, T replaced by C.
Protein change: p.Val898Ala; replaces valine 898 with alanine.
Molecular consequence: missense variant.
Genome position (GRCh38, 1-based): chr18:62,045,959, A>G on the plus strand (T>C on the coding strand, the complement: PIGN is on the minus strand). VCF-style: chr18-62045959-A-G. GRCh37 (hg19) VCF-style: chr18-59713192-A-G.
Other names: c.2693T>C, p.Val898Ala (NM_012327.6); short protein forms V898A.
Identifiers: ClinVar variation 577994 (VCV000577994.8), dbSNP rs932238722, ClinGen allele CA301862058.

ClinVar aggregate classification (germline): Uncertain significance (1 of 4 stars; one submission).

Conditions:
Multiple congenital anomalies-hypotonia-seizures syndrome 1 (MCAHS1). Also called: GLYCOSYLPHOSPHATIDYLINOSITOL BIOSYNTHESIS DEFECT 3; PIGN-CDG; Congenital disorder of glycosylation due to PIGN deficiency. Identifiers: Orphanet 280633, MedGen C3279775, MONDO:0013563, OMIM 614080.

Allele frequency attached by ClinVar (database versions not stated): TOPMed 0.00001.

Submission:

Labcorp Genetics (formerly Invitae), Labcorp
Classification: Uncertain significance for Multiple congenital anomalies-hypotonia-seizures syndrome 1. Last evaluated: 2018-02-21. Review status: criteria provided, single submitter. Criteria: Invitae Variant Classification Sherloc (09022015). Collection method: clinical testing. Allele origin: germline.
Comment: In summary, the available evidence is currently insufficient to determine the role of this variant in disease. Therefore, it has been classified as a Variant of Uncertain Significance. Algorithms developed to predict the effect of missense changes on protein structure and function (SIFT, PolyPhen-2, Align-GVGD) all suggest that this variant is likely to be tolerated, but these predictions have not been confirmed by published functional studies and their clinical significance is uncertain. This variant has not been reported in the literature in individuals with PIGN-related disease. This variant is not present in population databases (ExAC no frequency). This sequence change replaces valine with alanine at codon 898 of the PIGN protein (p.Val898Ala). The valine residue is moderately conserved and there is a small physicochemical difference between valine and alanine.